The following is an entry in ClinVar:

ClinVar aggregate classification (germline): Uncertain significance. Review status: criteria provided, multiple submitters, no conflicts (2 of 4 stars). 2 submissions from 2 submitters: Uncertain significance (2). Last evaluated 2021-05-29.

Allele frequency attached by ClinVar (database versions not stated): gnomAD 0.00001; TOPMed 0.00002.
gnomAD v4.1: 3 of 1,537,618 alleles (0.0002%); highest among the groups gnomAD compares: African/African-American, 0.0028%; no homozygotes.

Submissions (2):

Labcorp Genetics (formerly Invitae), Labcorp
Classification: Uncertain significance. Last evaluated: 2021-05-29. Review status: criteria provided, single submitter. Criteria: Invitae Variant Classification Sherloc (09022015). Collection method: clinical testing. Allele origin: germline.
Comment: This sequence change replaces leucine with valine at codon 575 of the KIAA0753 protein (p.Leu575Val). The leucine residue is moderately conserved and there is a small physicochemical difference between leucine and valine. In summary, the available evidence is currently insufficient to determine the role of this variant in disease. Therefore, it has been classified as a Variant of Uncertain Significance. Algorithms developed to predict the effect of sequence changes on RNA splicing suggest that this variant may create or strengthen a splice site, but this prediction has not been confirmed by published transcriptional studies. Algorithms developed to predict the effect of missense changes on protein structure and function (SIFT, PolyPhen-2, Align-GVGD) all suggest that this variant is likely to be tolerated, but these predictions have not been confirmed by published functional studies and their clinical significance is uncertain. This variant has not been reported in the literature in individuals with KIAA0753-related conditions. This variant is not present in population databases (ExAC no frequency).

Blueprint Genetics
Classification: Uncertain significance. Last evaluated: 2019-10-31. Review status: criteria provided, single submitter. Criteria: ACMG Guidelines, 2015. Collection method: clinical testing. Allele origin: germline.

NM_014804.3(KIAA0753):c.1723C>G (p.Leu575Val)

Gene: KIAA0753 (KIAA0753; minus strand). Cytogenetic location: 17p13.1.
Variant type: single nucleotide variant.
Coding change: c.1723C>G on transcript NM_014804.3 (MANE Select); coding-DNA position 1723, C replaced by G.
Protein change: p.Leu575Val; replaces leucine 575 with valine.
Molecular consequence: missense variant. On other transcripts: non-coding transcript variant (3).
Genome position (GRCh38, 1-based): chr17:6,608,454, G>C on the plus strand (C>G on the coding strand, the complement: KIAA0753 is on the minus strand). VCF-style: chr17-6608454-G-C. GRCh37 (hg19) VCF-style: chr17-6511774-G-C.
Other names: c.826C>G, p.Leu276Val (NM_001351225.2); short protein forms L276V, L575V.
Identifiers: ClinVar variation 1483619 (VCV001483619.9), dbSNP rs765589499, ClinGen allele CA287350343.
Genomic context (GRCh38, chr17:6,608,454, plus strand): 5'-GAGGATCTTCTTGCTGGAGAGGCTCTTTTGTGGCATCTCTGGGGCTAGTTTTCACCTTTA[G>C]CCATGCAGCACTGAAATAAATGGAAAAGCATACCTTTGTCATCATTCACTCCGTATCCAA-3'
Protein context (NP_055619.2, residues 565-585): PPASPKCAAW[Leu575Val]KVKTSPRDAT